The following is an entry in ClinVar:

NM_000222.3(KIT):c.312C>A (p.Ser104Arg)

Gene: KIT (KIT proto-oncogene, receptor tyrosine kinase; plus strand). Cytogenetic location: 4q12.
Variant type: single nucleotide variant.
Coding change: c.312C>A on transcript NM_000222.3 (MANE Select); coding-DNA position 312, C replaced by A.
Protein change: p.Ser104Arg; replaces serine 104 with arginine.
Molecular consequence: missense variant.
Genome position (GRCh38, 1-based): chr4:54,695,756, C>A. VCF-style: chr4-54695756-C-A. GRCh37 (hg19) VCF-style: chr4-55561922-C-A.
Other names: c.312C>A, p.Ser104Arg (NM_001093772.2, NM_001385284.1, NM_001385285.1 and 4 more transcripts); short protein forms S104R.
Identifiers: ClinVar variation 4858941 (VCV004858941.1).
Genomic context (GRCh38, chr4:54,695,756, plus strand): 5'-GGAAAAGGCAGAAGCCACCAACACCGGCAAATACACGTGCACCAACAAACACGGCTTAAG[C>A]AATTCCATTTATGTGTTTGTTAGAGGTAAATGCTTGGCTTTCTGCAGTGCTGTGCTTTCA-3'
Protein context (NP_000213.1, residues 94-114): KYTCTNKHGL[Ser104Arg]NSIYVFVRDP

ClinVar aggregate classification (germline): Uncertain significance (1 of 4 stars; one submission).

Conditions:
Hereditary cancer-predisposing syndrome. Also called: Neoplastic Syndromes, Hereditary; Tumor predisposition; Hereditary Cancer Syndrome; Hereditary neoplastic syndrome. Identifiers: Orphanet 140162, MedGen C0027672, MeSH D009386, MONDO:0015356.

Submission:

Ambry Genetics
Classification: Uncertain significance for Hereditary cancer-predisposing syndrome. Last evaluated: 2026-05-14. Review status: criteria provided, single submitter. Criteria: Ambry Variant Classification Scheme 2023. Collection method: clinical testing. Allele origin: germline.
Comment: The p.S104R variant (also known as c.312C>A), located in coding exon 2 of the KIT gene, results from a C to A substitution at nucleotide position 312. The serine at codon 104 is replaced by arginine, an amino acid with dissimilar properties. This amino acid position is conserved. In addition, this alteration is predicted to be tolerated by in silico analysis. Based on the available evidence, the clinical significance of this variant remains unclear.